The following is an entry in ClinVar:

NM_001458.5(FLNC):c.356G>T (p.Ser119Ile)

Gene: FLNC (filamin C; plus strand). Cytogenetic location: 7q32.1.
Variant type: single nucleotide variant.
Coding change: c.356G>T on transcript NM_001458.5 (MANE Select); coding-DNA position 356, G replaced by T.
Protein change: p.Ser119Ile; replaces serine 119 with isoleucine.
Molecular consequence: missense variant.
Genome position (GRCh38, 1-based): chr7:128,835,329, G>T. VCF-style: chr7-128835329-G-T. GRCh37 (hg19) VCF-style: chr7-128475383-G-T.
Other names: c.356G>T, p.Ser119Ile (NM_001127487.2); short protein forms S119I.
Identifiers: ClinVar variation 2121767 (VCV002121767.4), dbSNP rs2536614418, ClinGen allele CA369218534.
Genomic context (GRCh38, chr7:128,835,329, plus strand): 5'-TCTGGGGCAGTGGAGGGTGGGGCGCCCCTGAGCCCGTCTGTGCCCTCCCCTCTGCAGACA[G>T]CAAGGCCATCGTGGATGGGAACCTGAAGCTGATCCTGGGCCTGATCTGGACGCTGATCCT-3'
Protein context (NP_001449.3, residues 109-129): REHIKLVSID[Ser119Ile]KAIVDGNLKL

ClinVar aggregate classification (germline): Uncertain significance (1 of 4 stars; one submission).

Conditions:
Myofibrillar myopathy 5. Also called: Filaminopathy (type); FILAMINOPATHY, AUTOSOMAL DOMINANT. Identifiers: Orphanet 171445, MedGen C1836050, MONDO:0012289, OMIM 609524.
Distal myopathy with posterior leg and anterior hand involvement. Also called: WILLIAMS DISTAL MYOPATHY. Identifiers: Orphanet 63273, MedGen C3279722, MONDO:0013550, OMIM 614065.
Hypertrophic cardiomyopathy 26. Also called: Cardiomyopathy, familial hypertrophic, 26. Identifiers: Orphanet 75249, MedGen C4310749, MONDO:0014883, OMIM 617047.

Submission:

Labcorp Genetics (formerly Invitae), Labcorp
Classification: Uncertain significance for Distal myopathy with posterior leg and anterior hand involvement; Myofibrillar myopathy 5; Hypertrophic cardiomyopathy 26. Last evaluated: 2022-04-05. Review status: criteria provided, single submitter. Criteria: Invitae Variant Classification Sherloc (09022015). Collection method: clinical testing. Allele origin: germline.
Comment: In summary, the available evidence is currently insufficient to determine the role of this variant in disease. Therefore, it has been classified as a Variant of Uncertain Significance. Algorithms developed to predict the effect of sequence changes on RNA splicing suggest that this variant may disrupt the consensus splice site. Algorithms developed to predict the effect of missense changes on protein structure and function are either unavailable or do not agree on the potential impact of this missense change (SIFT: "Deleterious"; PolyPhen-2: "Probably Damaging"; Align-GVGD: "Class C0"). This variant has not been reported in the literature in individuals affected with FLNC-related conditions. This variant is not present in population databases (gnomAD no frequency). This sequence change replaces serine, which is neutral and polar, with isoleucine, which is neutral and non-polar, at codon 119 of the FLNC protein (p.Ser119Ile).